The following is an entry in ClinVar:

ClinVar aggregate classification (germline): Uncertain significance (1 of 4 stars; one submission).

Allele frequency attached by ClinVar (database versions not stated): TOPMed below 0.00001.

Submission:

Labcorp Genetics (formerly Invitae), Labcorp
Classification: Uncertain significance. Last evaluated: 2022-11-15. Review status: criteria provided, single submitter. Criteria: Invitae Variant Classification Sherloc (09022015). Collection method: clinical testing. Allele origin: germline.
Comment: In summary, the available evidence is currently insufficient to determine the role of this variant in disease. Therefore, it has been classified as a Variant of Uncertain Significance. Advanced modeling of protein sequence and biophysical properties (such as structural, functional, and spatial information, amino acid conservation, physicochemical variation, residue mobility, and thermodynamic stability) performed at Invitae indicates that this missense variant is not expected to disrupt MYO5B protein function. This variant has not been reported in the literature in individuals affected with MYO5B-related conditions. This variant is not present in population databases (gnomAD no frequency). This sequence change replaces glutamic acid, which is acidic and polar, with lysine, which is basic and polar, at codon 1009 of the MYO5B protein (p.Glu1009Lys).

NM_001080467.3(MYO5B):c.3025G>A (p.Glu1009Lys)

Gene: MYO5B (myosin VB; minus strand). Cytogenetic location: 18q21.1.
Variant type: single nucleotide variant.
Coding change: c.3025G>A on transcript NM_001080467.3 (MANE Select); coding-DNA position 3025, G replaced by A.
Protein change: p.Glu1009Lys; replaces glutamic acid 1009 with lysine.
Molecular consequence: missense variant.
Genome position (GRCh38, 1-based): chr18:49,894,961, C>T on the plus strand (G>A on the coding strand, the complement: MYO5B is on the minus strand). VCF-style: chr18-49894961-C-T. GRCh37 (hg19) VCF-style: chr18-47421331-C-T.
Other names: short protein forms E1009K.
Identifiers: ClinVar variation 2086988 (VCV002086988.4), dbSNP rs1485458017, ClinGen allele CA402429525.